The following is an entry in ClinVar:

ClinVar aggregate classification (germline): Uncertain significance (1 of 4 stars; one submission).

Conditions:
Inborn genetic diseases. Identifiers: MedGen C0950123, MeSH D030342.

Submission:

Ambry Genetics
Classification: Uncertain significance for Inborn genetic diseases. Last evaluated: 2025-08-02. Review status: criteria provided, single submitter. Criteria: Ambry Variant Classification Scheme 2023. Collection method: clinical testing. Allele origin: germline.
Comment: The p.A428T variant (also known as c.1282G>A), located in coding exon 7 of the FANCM gene, results from a G to A substitution at nucleotide position 1282. The alanine at codon 428 is replaced by threonine, an amino acid with similar properties. This amino acid position is conserved. In addition, this alteration is predicted to be tolerated by in silico analysis. Based on the available evidence, the clinical significance of this variant remains unclear.

NM_020937.4(FANCM):c.1282G>A (p.Ala428Thr)

Gene: FANCM (FA complementation group M; plus strand). Cytogenetic location: 14q21.2.
Variant type: single nucleotide variant.
Coding change: c.1282G>A on transcript NM_020937.4 (MANE Select); coding-DNA position 1282, G replaced by A.
Protein change: p.Ala428Thr; replaces alanine 428 with threonine.
Molecular consequence: missense variant.
Genome position (GRCh38, 1-based): chr14:45,154,795, G>A. VCF-style: chr14-45154795-G-A. GRCh37 (hg19) VCF-style: chr14-45623998-G-A.
Other names: c.1204G>A, p.Ala402Thr (NM_001308133.2); c.1282G>A, p.Ala428Thr (NM_001308134.2); short protein forms A428T, A402T.
Identifiers: ClinVar variation 4254645 (VCV004254645.1).